The following is an entry in ClinVar:

ClinVar aggregate classification (germline): Uncertain significance (1 of 4 stars; one submission).

Conditions:
Neuroblastoma, susceptibility to, 3. Also called: ALK-Related Neuroblastic Tumor Susceptibility. Identifiers: Orphanet 635, MedGen C2751681, MONDO:0013083, OMIM 613014.

Submission:

Labcorp Genetics (formerly Invitae), Labcorp
Classification: Uncertain significance for Neuroblastoma, susceptibility to, 3. Last evaluated: 2021-08-27. Review status: criteria provided, single submitter. Criteria: Invitae Variant Classification Sherloc (09022015). Collection method: clinical testing. Allele origin: germline.
Comment: This sequence change replaces glycine with cysteine at codon 492 of the ALK protein (p.Gly492Cys). The glycine residue is moderately conserved and there is a large physicochemical difference between glycine and cysteine. This variant is not present in population databases (ExAC no frequency). This variant has not been reported in the literature in individuals affected with ALK-related conditions. Algorithms developed to predict the effect of missense changes on protein structure and function are either unavailable or do not agree on the potential impact of this missense change (SIFT: "Deleterious"; PolyPhen-2: "Possibly Damaging"; Align-GVGD: "Class C15"). In summary, the available evidence is currently insufficient to determine the role of this variant in disease. Therefore, it has been classified as a Variant of Uncertain Significance.

NM_004304.5(ALK):c.1474G>T (p.Gly492Cys)

Gene: ALK (ALK receptor tyrosine kinase; minus strand). Cytogenetic location: 2p23.2.
Variant type: single nucleotide variant.
Coding change: c.1474G>T on transcript NM_004304.5 (MANE Select); coding-DNA position 1474, G replaced by T.
Protein change: p.Gly492Cys; replaces glycine 492 with cysteine.
Molecular consequence: missense variant.
Genome position (GRCh38, 1-based): chr2:29,320,823, C>A on the plus strand (G>T on the coding strand, the complement: ALK is on the minus strand). VCF-style: chr2-29320823-C-A. GRCh37 (hg19) VCF-style: chr2-29543689-C-A.
Other names: short protein forms G492C.
Identifiers: ClinVar variation 1377999 (VCV001377999.6), dbSNP rs1667014493, ClinGen allele CA346472465.